The following is an entry in ClinVar:

NM_015559.3(SETBP1):c.4655A>G (p.Lys1552Arg)

Gene: SETBP1 (SET binding protein 1; plus strand). Cytogenetic location: 18q12.3.
Variant type: single nucleotide variant.
Coding change: c.4655A>G on transcript NM_015559.3 (MANE Select); coding-DNA position 4655, A replaced by G.
Protein change: p.Lys1552Arg; replaces lysine 1552 with arginine.
Molecular consequence: missense variant.
Genome position (GRCh38, 1-based): chr18:45,063,562, A>G. VCF-style: chr18-45063562-A-G. GRCh37 (hg19) VCF-style: chr18-42643527-A-G.
Other names: c.4655A>G, p.Lys1552Arg (NM_001379141.1, NM_001379142.1); c.4484A>G, p.Lys1495Arg (NM_001410862.1); short protein forms K1495R, K1552R.
Identifiers: ClinVar variation 3621046 (VCV003621046.2).

ClinVar aggregate classification (germline): Uncertain significance (1 of 4 stars; one submission).

Submission:

Labcorp Genetics (formerly Invitae), Labcorp
Classification: Uncertain significance. Last evaluated: 2024-11-21. Review status: criteria provided, single submitter. Criteria: Invitae Variant Classification Sherloc (09022015). Collection method: clinical testing. Allele origin: germline.
Comment: This sequence change replaces lysine, which is basic and polar, with arginine, which is basic and polar, at codon 1552 of the SETBP1 protein (p.Lys1552Arg). This variant is not present in population databases (gnomAD no frequency). This variant has not been reported in the literature in individuals affected with SETBP1-related conditions. An algorithm developed to predict the effect of missense changes on protein structure and function (PolyPhen-2) suggests that this variant is likely to be disruptive. In summary, the available evidence is currently insufficient to determine the role of this variant in disease. Therefore, it has been classified as a Variant of Uncertain Significance.